The following is an entry in ClinVar:

NM_138691.3(TMC1):c.2145T>G (p.Tyr715Ter)

Gene: TMC1 (transmembrane channel like 1; plus strand). Cytogenetic location: 9q21.13.
Variant type: single nucleotide variant.
Coding change: c.2145T>G on transcript NM_138691.3 (MANE Select); coding-DNA position 2145, T replaced by G.
Protein change: p.Tyr715Ter; replaces tyrosine 715 with a stop codon.
Molecular consequence: nonsense.
Genome position (GRCh38, 1-based): chr9:72,830,466, T>G. VCF-style: chr9-72830466-T-G. GRCh37 (hg19) VCF-style: chr9-75445382-T-G.
Other names: short protein forms Y715*.
Identifiers: ClinVar variation 2850436 (VCV002850436.3), dbSNP rs2489999464, ClinGen allele CA373674898.
Genomic context (GRCh38, chr9:72,830,466, plus strand): 5'-AACTGAAATATACCTTACACTGTATTTTTTTTCTTTTTAATTTAGTTTGGCCATCTATTA[T>G]CTCAATGCTACTGCCAAGGGCCAGAAGGCAGCGAATCTGGATCTCAAAAAGAAGATGAAA-3'

ClinVar aggregate classification (germline): Pathogenic (1 of 4 stars; one submission).

Submission:

Labcorp Genetics (formerly Invitae), Labcorp
Classification: Pathogenic. Last evaluated: 2023-03-28. Review status: criteria provided, single submitter. Criteria: Invitae Variant Classification Sherloc (09022015). Collection method: clinical testing. Allele origin: germline.
Comment: For these reasons, this variant has been classified as Pathogenic. This variant has not been reported in the literature in individuals affected with TMC1-related conditions. This variant is not present in population databases (gnomAD no frequency). This sequence change creates a premature translational stop signal (p.Tyr715*) in the TMC1 gene. It is expected to result in an absent or disrupted protein product. Loss-of-function variants in TMC1 are known to be pathogenic (PMID: 11850618, 22105175).

Literature cited by the submitters: PubMed 11850618; PubMed 22105175.